The following is an entry in ClinVar:

ClinVar aggregate classification (germline): Likely pathogenic (1 of 4 stars; one submission).

Conditions:
Autosomal recessive limb-girdle muscular dystrophy type 2J (LGMDR10). Also called: Limb-girdle muscular dystrophy, type 2J; MUSCULAR DYSTROPHY, LIMB-GIRDLE, AUTOSOMAL RECESSIVE 10. Identifiers: Orphanet 140922, MedGen C1837342, MONDO:0012127, OMIM 608807.
Dilated cardiomyopathy 1G (CMD1G). Identifiers: Orphanet 154, MedGen C1858763, MONDO:0011400, OMIM 604145.

Submission:

Labcorp Genetics (formerly Invitae), Labcorp
Classification: Likely pathogenic for Dilated cardiomyopathy 1G; Autosomal recessive limb-girdle muscular dystrophy type 2J. Last evaluated: 2025-08-18. Review status: criteria provided, single submitter. Criteria: Invitae Variant Classification Sherloc (09022015). Collection method: clinical testing. Allele origin: germline.
Comment: This sequence change creates a premature translational stop signal (p.Glu5338*) in the TTN gene. While this is not anticipated to result in nonsense mediated decay, it is expected to create a truncated TTN protein. This variant is not present in population databases (gnomAD no frequency). This variant has not been reported in the literature in individuals affected with TTN-related conditions. ClinVar contains an entry for this variant (Variation ID: 3751021). Algorithms developed to predict the effect of sequence changes on RNA splicing suggest that this variant may disrupt the consensus splice site. This variant is located in the I band of TTN (PMID: 25589632). Truncating variants in this region have been reported in individuals affected with autosomal recessive centronuclear myopathy (PMID: 23975875, internal data). Truncating variants in this region have also been identified in individuals affected with autosomal dominant dilated cardiomyopathy and/or cardio-related conditions (PMID: 27869827, 32964742, internal data). In summary, the currently available evidence indicates that the variant is pathogenic, but additional data are needed to prove that conclusively. Therefore, this variant has been classified as Likely Pathogenic.

Literature cited by the submitters: PubMed 25589632; PubMed 23975875; PubMed 27869827; PubMed 32964742.

NM_001267550.2(TTN):c.16012G>T (p.Glu5338Ter)

Gene: TTN (titin; minus strand). Cytogenetic location: 2q31.2.
Variant type: single nucleotide variant.
Coding change: c.16012G>T on transcript NM_001267550.2 (MANE Select); coding-DNA position 16012, G replaced by T.
Protein change: p.Glu5338Ter; replaces glutamic acid 5338 with a stop codon.
Molecular consequence: nonsense. On other transcripts: intron variant (3).
Genome position (GRCh38, 1-based): chr2:178,733,281, C>A on the plus strand (G>T on the coding strand, the complement: TTN is on the minus strand). VCF-style: chr2-178733281-C-A. GRCh37 (hg19) VCF-style: chr2-179598008-C-A.
Other names: c.15061G>T, p.Glu5021Ter (NM_001256850.1); c.12280G>T, p.Glu4094Ter (NM_133378.4); c.13282+4801G>T (NM_003319.4); c.13858+4801G>T (NM_133437.4); c.13657+4801G>T (NM_133432.3); short protein forms E4094*, E5021*, E5338*.
Identifiers: ClinVar variation 3751021 (VCV003751021.2).